The following is an entry in ClinVar:

ClinVar aggregate classification (germline): Pathogenic (1 of 4 stars; one submission).

Conditions:
Myopathy, proximal, and ophthalmoplegia (CMYO6). Also called: INCLUSION BODY MYOPATHY 3, AUTOSOMAL DOMINANT; CONGENITAL MYOPATHY 6 WITH OPHTHALMOPLEGIA; MYOPATHY WITH CONGENITAL JOINT CONTRACTURES, OPHTHALMOPLEGIA, AND RIMMED VACUOLES. Identifiers: Orphanet 363677, Orphanet 79091, MedGen C1854106, MONDO:0011577, OMIM 605637.

Submission:

Labcorp Genetics (formerly Invitae), Labcorp
Classification: Pathogenic for Myopathy, proximal, and ophthalmoplegia. Last evaluated: 2021-02-02. Review status: criteria provided, single submitter. Criteria: Invitae Variant Classification Sherloc (09022015). Collection method: clinical testing. Allele origin: germline.
Comment: This sequence change creates a premature translational stop signal (p.Gln1069Lysfs*4) in the MYH2 gene. It is expected to result in an absent or disrupted protein product. Loss-of-function variants in MYH2 are known to be pathogenic (PMID: 20418530, 23388406, 24193343). This variant is not present in population databases (ExAC no frequency). This variant has not been reported in the literature in individuals with MYH2-related conditions. For these reasons, this variant has been classified as Pathogenic.

Literature cited by the submitters: PubMed 20418530; PubMed 23388406; PubMed 24193343.

NM_017534.6(MYH2):c.3205del (p.Gln1069fs)

Genes: MYHAS (myosin heavy chain gene cluster antisense RNA; plus strand), MYH2 (myosin heavy chain 2; minus strand). Cytogenetic location: 17p13.1.
Variant type: Deletion.
Coding change: c.3205del on transcript NM_017534.6 (MANE Select); coding-DNA position 3205, one base deleted (C; older notation c.3205delC).
Protein change: p.Gln1069fs; shifts the reading frame from glutamine 1069.
Molecular consequence: frameshift variant.
Genome position (GRCh38, 1-based): chr17:10,529,394, G deleted on the plus strand (C on the coding strand, the reverse complement: MYH2 is on the minus strand); the first of 3 consecutive G bases (chr17:10,529,394-10,529,396); deleting any one gives the same sequence. VCF-style (leftmost placement, unchanged base first): chr17-10529393-TG-T. GRCh37 (hg19) VCF-style: chr17-10432710-TG-T.
Other names: c.3205del, p.Gln1069fs (NM_001100112.2); short protein forms Q1069fs.
Identifiers: ClinVar variation 1397674 (VCV001397674.6), dbSNP rs2142299866, ClinGen allele CA2573152939.